The following is an entry in ClinVar:

NM_007294.4(BRCA1):c.5444G>C (p.Trp1815Ser)

Gene: BRCA1 (BRCA1 DNA repair associated; minus strand). Cytogenetic location: 17q21.31.
Variant type: single nucleotide variant.
Coding change: c.5444G>C on transcript NM_007294.4 (MANE Select); coding-DNA position 5444, G replaced by C.
Protein change: p.Trp1815Ser; replaces tryptophan 1815 with serine.
Molecular consequence: missense variant. On other transcripts: synonymous variant (17).
Genome position (GRCh38, 1-based): chr17:43,047,666, C>G on the plus strand (G>C on the coding strand, the complement: BRCA1 is on the minus strand). VCF-style: chr17-43047666-C-G. GRCh37 (hg19) VCF-style: chr17-41199683-C-G.
Other names: c.5231G>C, p.Trp1744Ser (NM_001407900.1, NM_001407902.1, NM_001407904.1 and 12 more transcripts); c.5228G>C, p.Trp1743Ser (NM_001407915.1, NM_001407916.1, NM_001407917.1 and 1 more transcripts); c.5192G>C, p.Trp1731Ser (NM_001407919.1); c.5180G>C, p.Trp1727Ser (NM_001407920.1, NM_001407921.1, NM_001407922.1 and 4 more transcripts); c.5177G>C, p.Trp1726Ser (NM_001407927.1, NM_001407928.1, NM_001407929.1 and 4 more transcripts); c.5174G>C, p.Trp1725Ser (NM_001407934.1, NM_001407935.1, NM_001407936.1); c.5247G>C, p.Leu1749= (NM_001407937.1, NM_001407938.1); c.5244G>C, p.Leu1748= (NM_001407939.1, NM_001407940.1); and 83 more; short protein forms W1815S, W1836S, W1768S, W711S, W1646S, W1661S, W1687S, W1688S.
Identifiers: ClinVar variation 566786 (VCV000566786.25), dbSNP rs80356962, ClinGen allele CA10590520.
Genomic context (GRCh38, chr17:43,047,666, plus strand): 5'-GGACCCCATATAGCACAGGTACATGCAGGCACCTTACCATGGAAGCCATTGTCCTCTGTC[C>G]AGGCATCTGGCTGCACAACCACAATTGGGTGGACACCCTGGATCCCCAGGAAGGAAAGAG-3'
Protein context (NP_009225.1, residues 1805-1825): HPIVVVQPDA[Trp1815Ser]TEDNGFHAIG

ClinVar aggregate classification (germline): Conflicting classifications of pathogenicity. Review status: criteria provided, conflicting classifications (1 of 4 stars). 6 submissions from 6 submitters: Likely pathogenic (1); Uncertain significance (5). Last evaluated 2026-06-26.

Conditions:
Breast-ovarian cancer, familial, susceptibility to, 1 (BROVCA1). Also called: BRCA1 Hereditary Breast and Ovarian Cancer; OVARIAN CANCER, SUSCEPTIBILITY TO. Identifiers: Orphanet 145, MedGen C2676676, MONDO:0011450, OMIM 604370. Disease mechanism: loss of function.
Hereditary cancer-predisposing syndrome. Also called: Tumor predisposition; Neoplastic Syndromes, Hereditary; Hereditary Cancer Syndrome; Hereditary neoplastic syndrome. Identifiers: Orphanet 140162, MedGen C0027672, MeSH D009386, MONDO:0015356.
Hereditary breast ovarian cancer syndrome. Also called: Hereditary breast and ovarian cancer; Hereditary breast and ovarian cancer syndrome; Hereditary breast and ovarian cancer syndrome (HBOC); Breast and ovarian cancer; BRCA1- and BRCA2-Associated Hereditary Breast and Ovarian Cancer; Hereditary breast and/or ovarian cancer syndrome. Identifiers: Orphanet 145, MedGen C0677776, MeSH D061325, MONDO:0003582. Disease mechanism: loss of function.

Allele frequency attached by ClinVar (database versions not stated): gnomAD exomes below 0.00001.
gnomAD v4.1: 3 of 1,614,212 alleles (0.00019%); highest among the groups gnomAD compares: Non-Finnish European, 0.00025%; no homozygotes.

Submissions (7):

Women's Health and Genetics/Laboratory Corporation of America, LabCorp
Classification: Uncertain significance. Last evaluated: 2026-06-26. Review status: criteria provided, single submitter. Criteria: LabCorp Variant Classification Summary - May 2015. Collection method: clinical testing. Allele origin: germline.
Comment: Variant summary: BRCA1 c.5444G>C (p.Trp1815Ser) results in a non-conservative amino acid change located in the breast cancer carboxy-terminal (BRCT) domain of the encoded protein sequence. Algorithms developed to predict the effect of missense changes on protein structure and function all suggest that this variant is likely to be disruptive. The variant allele was found at a frequency of 4e-06 in 251486 control chromosomes. The available data on variant occurrences in the general population are insufficient to allow any conclusion about variant significance. To our knowledge, no occurrence of c.5444G>C in individuals affected with BRCA1-related conditions has been reported. At least one publication reports experimental evidence evaluating an impact on protein function suggesting the variant may lead to loss of protein function, however, does not allow convincing conclusions to be made about the variant effect (Findlay_2018). The following publication have been ascertained in the context of this evaluation (PMID: 30209399). ClinVar contains an entry for this variant (Variation ID: 566786). Based on the evidence outlined above, the variant was classified as uncertain significance.

Ambry Genetics
Classification: Likely pathogenic for Hereditary cancer-predisposing syndrome. Last evaluated: 2025-09-03. Review status: criteria provided, single submitter. Criteria: Ambry Variant Classification Scheme 2023. Collection method: clinical testing. Allele origin: germline.
Comment: The p.W1815S variant (also known as c.5444G>C), located in coding exon 21 of the BRCA1 gene, results from a G to C substitution at nucleotide position 5444. The tryptophan at codon 1815 is replaced by serine, an amino acid with highly dissimilar properties. One functional study found that this nucleotide substitution is non-functional in a high-throughput, genome editing, haploid cell survival assay (Findlay GM et al. Nature, 2018 10;562:217-222). In another study, this variant was found to be functional in homology-directed repair and cisplatin resistance, however these assays assessed only the protein change and did not incorporate any splicing impact, therefore this alteration was still reported as having overall loss-of-function due to the deleterious impact observed in saturation genome editing (SGE) assays (Adamovich AI et al. Am J Hum Genet. 2022 Apr;109(4):618-630). This amino acid position is highly conserved in available vertebrate species. In addition, this alteration is predicted to be deleterious by in silico analysis. This nucleotide position is also highly conserved in available vertebrate species. In silico splice site analysis predicts that this alteration will not have any significant effect on splicing. However, RNA studies have demonstrated that this alteration results in significant abnormal splicing, though incomplete, in the set of samples tested (Ambry internal data). Based on the majority of available evidence to date, this variant is likely to be pathogenic.

Labcorp Genetics (formerly Invitae), Labcorp
Classification: Uncertain significance for Hereditary breast ovarian cancer syndrome. Last evaluated: 2025-05-04. Review status: criteria provided, single submitter. Criteria: Invitae Variant Classification Sherloc (09022015). Collection method: clinical testing. Allele origin: germline.
Comment: This sequence change replaces tryptophan, which is neutral and slightly polar, with serine, which is neutral and polar, at codon 1815 of the BRCA1 protein (p.Trp1815Ser). This variant is not present in population databases (gnomAD no frequency). This variant has not been reported in the literature in individuals affected with BRCA1-related conditions. ClinVar contains an entry for this variant (Variation ID: 566786). Invitae Evidence Modeling incorporating data from in vitro experimental studies (PMID: 30209399) indicates that this missense variant is expected to disrupt BRCA1 function with a positive predictive value of 95%. Experimental studies have shown that this missense change affects BRCA1 function (PMID: 30209399). In summary, the available evidence is currently insufficient to determine the role of this variant in disease. Therefore, it has been classified as a Variant of Uncertain Significance.

Quest Diagnostics Nichols Institute San Juan Capistrano
Classification: Uncertain significance. Last evaluated: 2025-02-27. Review status: criteria provided, single submitter. Criteria: Quest Diagnostics criteria. Collection method: clinical testing. Allele origin: unknown.
Comment: The BRCA1 c.5444G>C (p.Trp1815Ser) variant has been reported in the published literature in functional studies which demonstrated that this variant had an inconclusive effect on protein function (PMID: 30209399 (2018), 35196514 (2022)). The frequency of this variant in the general population (Genome Aggregation Database) is uninformative in the assessment of its pathogenicity. Analysis of this variant using bioinformatics tools for the prediction of the effect of amino acid changes on protein structure and function yielded conflicting predictions that this variant is benign or damaging. Additional analysis using software algorithms for the prediction of the effect of nucleotide changes on splicing yielded predictions that this variant may affect proper BRCA1 mRNA splicing. Based on the available information, we are unable to determine the clinical significance of this variant.

Color Diagnostics, LLC DBA Color Health
Classification: Uncertain significance for Hereditary cancer-predisposing syndrome. Last evaluated: 2024-11-26. Review status: criteria provided, single submitter. Criteria: ACMG Guidelines, 2015. Collection method: clinical testing. Allele origin: germline.
Comment: This missense variant replaces tryptophan with serine at codon 1815 of the BRCA1 protein. Computational prediction suggests that this variant may have deleterious impact on protein structure and function. Functional studies have reported that this variant is functionally abnormal in a haploid cell proliferation assay and functionally normal in a cisplatin resistance assay (PMID: 30209399, 35196514). To our knowledge, this variant has not been reported in individuals affected with BRCA1-related disorders in the literature. This variant has been identified in 1/251486 chromosomes in the general population by the Genome Aggregation Database (gnomAD). The available evidence is insufficient to determine the role of this variant in disease conclusively. Therefore, this variant is classified as a Variant of Uncertain Significance.

All of Us Research Program, National Institutes of Health
Classification: Uncertain significance for Breast-ovarian cancer, familial, susceptibility to, 1. Last evaluated: 2023-08-15. Review status: criteria provided, single submitter. Criteria: ACMG Guidelines, 2015. Collection method: clinical testing. Allele origin: germline. Inheritance: Autosomal dominant inheritance. Observed: 1 variant allele, 1 heterozygote.
Comment: This missense variant replaces tryptophan with serine at codon 1815 of the BRCA1 protein. Computational prediction suggests that this variant may have deleterious impact on protein structure and function (internally defined REVEL score threshold >= 0.7, PMID: 27666373). This variant has been reported to result in the loss of BRCA1 protein function in a haploid cell proliferation assay (PMID: 30209399). To our knowledge, this variant has not been reported in individuals affected with BRCA1-related disorders in the literature. This variant has been identified in 1/251486 chromosomes in the general population by the Genome Aggregation Database (gnomAD). The available evidence is insufficient to determine the role of this variant in disease conclusively. Therefore, this variant is classified as a Variant of Uncertain Significance.

This study involves interpretation of variants in research participants for the purpose of population health screening. Participant phenotype was not available at the time of variant classification. Additional details can be found in publication PMID: 35346344, PMCID: PMC8962531

Brotman Baty Institute, University of Washington
No classification provided (evidence only). Condition: Breast-ovarian cancer, familial 1. Review status: no classification provided. Collection method: in vitro. Allele origin: not applicable. Functional consequence: functionally_abnormal. Not counted in ClinVar's aggregate classification.
ClinVar note: "not provided" was previously submitted as the classification for the variant. However, the classification appeared to be based only on an observation of functional data so it was converted to no classification on 2025-07-30.

Literature cited by the submitters: PubMed 30209399 (cited by 6 submitters); PubMed 35196514 (cited by 3 submitters); PubMed 32623769 (cited by Quest Diagnostics Nichols Institute San Juan Capistrano).